The following is an entry in ClinVar:

ClinVar aggregate classification (germline): not provided (0 of 4 stars; one submission).

Allele frequency attached by ClinVar (database versions not stated): TOPMed 0.00006; gnomAD 0.00012 and 0.00006; 1000 Genomes Project 0.00020; 1000 Genomes Project 30x 0.00031.
gnomAD v4.1: 230 of 1,334,230 alleles (0.017%); highest among the groups gnomAD compares: East Asian, 0.38%; 2 homozygotes.

Submission:

Human Evolutionary Genetics, Institut Pasteur
No classification provided. Review status: no classification provided. Collection method: not provided. Allele origin: germline.
ClinVar note: Converted during submission from untested to not provided.

NM_001433705.1(NLRP5):c.290-72C>T

Gene: NLRP5 (NLR family pyrin domain containing 5; plus strand). Cytogenetic location: 19q13.43.
Variant type: single nucleotide variant.
Coding change: c.290-72C>T on transcript NM_001433705.1 (MANE Select); 72 bases into the intron before coding-DNA position 290, C replaced by T.
Molecular consequence: intron variant.
Genome position (GRCh38, 1-based): chr19:56,008,716, C>T. VCF-style: chr19-56008716-C-T. GRCh37 (hg19) VCF-style: chr19-56520082-C-T.
Other names: NM_153447.4:c.443-72C>T.
Identifiers: ClinVar variation 103293 (VCV000103293.2), dbSNP rs199475764, ClinGen allele CA230378.